The following is an entry in ClinVar:

ClinVar aggregate classification (germline): Uncertain significance (1 of 4 stars; one submission).

Submission:

Labcorp Genetics (formerly Invitae), Labcorp
Classification: Uncertain significance. Last evaluated: 2025-12-23. Review status: criteria provided, single submitter. Criteria: Invitae Variant Classification Sherloc (09022015). Collection method: clinical testing. Allele origin: germline.
Comment: This sequence change replaces glutamine, which is neutral and polar, with histidine, which is basic and polar, at codon 1754 of the MYO7A protein (p.Gln1754His). This variant is not present in population databases (gnomAD no frequency). This variant has not been reported in the literature in individuals affected with MYO7A-related conditions. Invitae Evidence Modeling of protein sequence and biophysical properties (such as structural, functional, and spatial information, amino acid conservation, physicochemical variation, residue mobility, and thermodynamic stability) indicates that this missense variant is not expected to disrupt MYO7A protein function with a negative predictive value of 95%. In summary, the available evidence is currently insufficient to determine the role of this variant in disease. Therefore, it has been classified as a Variant of Uncertain Significance.

NM_000260.4(MYO7A):c.5262G>T (p.Gln1754His)

Gene: MYO7A (myosin VIIA; plus strand). Cytogenetic location: 11q13.5.
Variant type: single nucleotide variant.
Coding change: c.5262G>T on transcript NM_000260.4 (MANE Select); coding-DNA position 5262, G replaced by T.
Protein change: p.Gln1754His; replaces glutamine 1754 with histidine.
Molecular consequence: missense variant.
Genome position (GRCh38, 1-based): chr11:77,203,153, G>T. VCF-style: chr11-77203153-G-T. GRCh37 (hg19) VCF-style: chr11-76914198-G-T.
Other names: c.5148G>T, p.Gln1716His (NM_001127180.2); c.5115G>T, p.Gln1705His (NM_001369365.1); short protein forms Q1705H, Q1754H, Q1716H.
Identifiers: ClinVar variation 4698498 (VCV004698498.1).